The following is an entry in ClinVar:

ClinVar aggregate classification (germline): Benign/Likely benign. Review status: criteria provided, multiple submitters, no conflicts (2 of 4 stars). 2 submissions from 2 submitters: Benign (1); Likely benign (1). Last evaluated 2026-06-01.

gnomAD v4.1: 145 of 1,614,202 alleles (0.009%); highest among the groups gnomAD compares: African/African-American, 0.15%; 1 homozygote.

Submissions (2):

CeGaT Center for Human Genetics Tuebingen
Classification: Likely benign. Last evaluated: 2026-06-01. Review status: criteria provided, single submitter. Criteria: CeGaT Center For Human Genetics Tuebingen Variant Classification Criteria Version 2. Collection method: clinical testing. Allele origin: germline. Affected: yes. Observed: 1 variant allele.
Comment: RAC1: BP4, BP7, BS1

Women's Health and Genetics/Laboratory Corporation of America, LabCorp
Classification: Benign. Last evaluated: 2026-05-04. Review status: criteria provided, single submitter. Criteria: LabCorp Variant Classification Summary - May 2015. Collection method: clinical testing. Allele origin: germline.
Comment: Variant summary: RAC1 c.225A>G (p.Thr75Thr) alters a conserved nucleotide located close to a canonical splice site and therefore could affect mRNA splicing, leading to a significantly altered protein sequence. Consensus agreement among computation tools predict no significant impact on normal splicing. However, these predictions have yet to be confirmed by functional studies. The variant allele was found at a frequency of 0.0001 in 251410 control chromosomes. The observed variant frequency exceeds the estimated maximal expected allele frequency for disease-causing variants in RAC1. To our knowledge, no occurrence of c.225A>G in individuals affected with RAC1-related conditions and no experimental evidence demonstrating its impact on protein function have been reported. No submitters have cited clinical-significance assessments for this variant to ClinVar. Based on the evidence outlined above, the variant was classified as benign.

NM_006908.5(RAC1):c.225A>G (p.Thr75=)

Gene: RAC1 (Rac family small GTPase 1; plus strand). Cytogenetic location: 7p22.1.
Variant type: single nucleotide variant.
Coding change: c.225A>G on transcript NM_006908.5 (MANE Select); coding-DNA position 225, A replaced by G.
Protein change: p.Thr75=; no amino-acid change (threonine 75 retained).
Molecular consequence: synonymous variant.
Genome position (GRCh38, 1-based): chr7:6,392,041, A>G. VCF-style: chr7-6392041-A-G. GRCh37 (hg19) VCF-style: chr7-6431672-A-G.
Other names: c.225A>G, p.Thr75= (NM_018890.4).
Identifiers: ClinVar variation 4853577 (VCV004853577.3).